The following is an entry in ClinVar:

ClinVar aggregate classification (germline): Uncertain significance (1 of 4 stars; one submission).

Allele frequency attached by ClinVar (database versions not stated): gnomAD exomes below 0.00001; ExAC 0.00001; gnomAD 0.00001; TOPMed 0.00001.
gnomAD v4.1: 3 of 1,611,432 alleles (0.00019%); highest among the groups gnomAD compares: Admixed American, 0.005%; no homozygotes.

Submission:

Labcorp Genetics (formerly Invitae), Labcorp
Classification: Uncertain significance. Last evaluated: 2025-09-25. Review status: criteria provided, single submitter. Criteria: Invitae Variant Classification Sherloc (09022015). Collection method: clinical testing. Allele origin: germline.
Comment: This sequence change affects codon 23 of the CD81 mRNA. It is a 'silent' change, meaning that it does not change the encoded amino acid sequence of the CD81 protein. This variant is present in population databases (rs780597907, gnomAD 0.003%). This variant has not been reported in the literature in individuals affected with CD81-related conditions. ClinVar contains an entry for this variant (Variation ID: 1441145). Algorithms developed to predict the effect of sequence changes on RNA splicing suggest that this variant may create or strengthen a splice site. In summary, the available evidence is currently insufficient to determine the role of this variant in disease. Therefore, it has been classified as a Variant of Uncertain Significance.

NM_004356.4(CD81):c.69G>A (p.Leu23=)

Gene: CD81 (CD81 molecule; plus strand). Cytogenetic location: 11p15.5.
Variant type: single nucleotide variant.
Coding change: c.69G>A on transcript NM_004356.4 (MANE Select); coding-DNA position 69, G replaced by A.
Protein change: p.Leu23=; no amino-acid change (leucine 23 retained).
Molecular consequence: synonymous variant. On other transcripts: 5 prime UTR variant (1).
Genome position (GRCh38, 1-based): chr11:2,390,414, G>A. VCF-style: chr11-2390414-G-A. GRCh37 (hg19) VCF-style: chr11-2411644-G-A.
Other names: c.-145G>A (NM_001297649.2).
Identifiers: ClinVar variation 1441145 (VCV001441145.6), dbSNP rs780597907, ClinGen allele CA5819831.
Genomic context (GRCh38, chr11:2,390,414, plus strand): 5'-GCGCACTCCCTGCTGCAGTGCTCTTCGTACATGTGACACTGTTCCCGCTCTTTCCCAGCT[G>A]GCTGGAGGCGTGATCCTGGGTGTGGCCCTGTGGCTCCGCCATGACCCGCAGACCACCAAC-3'
Protein context (NP_004347.1, residues 13-33): LLFVFNFVFW[Leu23=]AGGVILGVAL